The following is an entry in ClinVar:

ClinVar aggregate classification (germline): Pathogenic (1 of 4 stars; one submission).

Conditions:
Hypogonadotropic hypogonadism. Also called: Hypogonadotrophic hypogonadism; Isolated hypogonadotropic hypogonadism; Low gonadotropins (secondary hypogonadism); Hypogonadotropic hypogonadism with or without anosmia. Identifiers: Orphanet 432, MedGen C0271623, MONDO:0018555, HP:0000044.

Allele frequency attached by ClinVar (database versions not stated): gnomAD exomes below 0.00001.
gnomAD v4.1: 1 of 1,211,032 alleles (0.000083%); highest among the groups gnomAD compares: East Asian, 0.003%; no homozygotes.

Submission:

Centre for Endocrinology, Queen Mary University of London
Classification: Pathogenic for Hypogonadotropic hypogonadism. Last evaluated: 2023-03-08. Review status: criteria provided, single submitter. Criteria: Submitter's publication. Collection method: research, in vitro. Allele origin: maternal, not applicable. Inheritance: X-linked recessive inheritance. Affected: yes. Observed: 1 hemizygote. Functional consequence: variation affecting protein function.
Comment: In vitro analysis demonstrated retention of mutant protein in the endoplasmic reticulum and reduced neuritogenesis in mutant-expressing GnRH cell line.

Literature cited by the submitters: DOI 10.1242/dmm.049996.

NM_181303.2(NLGN3):c.366G>A (p.Trp122Ter)

Gene: NLGN3 (neuroligin 3; plus strand). Cytogenetic location: Xq13.1.
Variant type: single nucleotide variant.
Coding change: c.366G>A on transcript NM_181303.2 (MANE Select); coding-DNA position 366, G replaced by A.
Protein change: p.Trp122Ter; replaces tryptophan 122 with a stop codon.
Molecular consequence: nonsense.
Genome position (GRCh38, 1-based): chrX:71,148,115, G>A. VCF-style: chrX-71148115-G-A. GRCh37 (hg19) VCF-style: chrX-70367965-G-A.
Other names: c.366G>A, p.Trp122Ter (NM_001166660.2, NM_018977.4); c.15G>A, p.Trp5Ter (NM_001321276.2); short protein forms W122*, W5*.
Identifiers: ClinVar variation 2443311 (VCV002443311.4), dbSNP rs2519735876, ClinGen allele CA413548564.